The following is an entry in ClinVar:

NM_032237.5(POMK):c.505T>C (p.Tyr169His)

Gene: POMK (protein O-mannose kinase; plus strand). Cytogenetic location: 8p11.21.
Variant type: single nucleotide variant.
Coding change: c.505T>C on transcript NM_032237.5 (MANE Select); coding-DNA position 505, T replaced by C.
Protein change: p.Tyr169His; replaces tyrosine 169 with histidine.
Molecular consequence: missense variant.
Genome position (GRCh38, 1-based): chr8:43,122,329, T>C. VCF-style: chr8-43122329-T-C. GRCh37 (hg19) VCF-style: chr8-42977472-T-C.
Other names: c.505T>C, p.Tyr169His (NM_001277971.2); short protein forms Y169H.
Identifiers: ClinVar variation 1521127 (VCV001521127.8), dbSNP rs2130626707, ClinGen allele CA371122048.

ClinVar aggregate classification (germline): Uncertain significance (1 of 4 stars; one submission).

Conditions:
Muscular dystrophy-dystroglycanopathy (congenital with brain and eye anomalies), type a, 12 (MDDGA12). Also called: WALKER-WARBURG SYNDROME OR MUSCLE-EYE-BRAIN DISEASE, POMK-RELATED. Identifiers: Orphanet 899, MedGen C3808964, MONDO:0014101, OMIM 615249.
Limb-girdle muscular dystrophy due to POMK deficiency. Also called: MUSCULAR DYSTROPHY-DYSTROGLYCANOPATHY, LIMB-GIRDLE, POMK-RELATED; Muscular dystrophy-dystroglycanopathy (limb-girdle), type c, 12. Identifiers: Orphanet 445110, MedGen C4015184, MONDO:0014489, OMIM 616094.

Submission:

Labcorp Genetics (formerly Invitae), Labcorp
Classification: Uncertain significance for Muscular dystrophy-dystroglycanopathy (congenital with brain and eye anomalies), type a, 12; Limb-girdle muscular dystrophy due to POMK deficiency. Last evaluated: 2022-07-15. Review status: criteria provided, single submitter. Criteria: Invitae Variant Classification Sherloc (09022015). Collection method: clinical testing. Allele origin: germline.
Comment: In summary, the available evidence is currently insufficient to determine the role of this variant in disease. Therefore, it has been classified as a Variant of Uncertain Significance. Algorithms developed to predict the effect of missense changes on protein structure and function (SIFT, PolyPhen-2, Align-GVGD) all suggest that this variant is likely to be disruptive. ClinVar contains an entry for this variant (Variation ID: 1521127). This variant has not been reported in the literature in individuals affected with POMK-related conditions. This variant is not present in population databases (gnomAD no frequency). This sequence change replaces tyrosine, which is neutral and polar, with histidine, which is basic and polar, at codon 169 of the POMK protein (p.Tyr169His).